The following is an entry in ClinVar:

NC_012920.1(MT-ND5):m.13763C>T

Gene: MT-ND5 (mitochondrially encoded NADH dehydrogenase 5; plus strand).
Variant type: single nucleotide variant.
Genome position: chrM-13763-C-T.
Identifiers: ClinVar variation 693604 (VCV000693604.4), dbSNP rs1603224344, ClinGen allele CA414819413.

ClinVar aggregate classification (germline): Likely benign (1 of 4 stars; one submission).

Conditions:
Leigh syndrome (NULS). Also called: Leigh's syndrome; Leigh Syndrome (mtDNA deletion); Leigh Disease; Subacute necrotizing encephalopathy; Necrotizing encephalopathy infantile subacute of Leigh; Leigh's necrotizing encephalopathy. Identifiers: Orphanet 506, MedGen C2931891, MONDO:0009723, OMIM 256000.
Leber optic atrophy (LHON). Also called: Optic Atrophy, Hereditary, Leber; Leber hereditary optic neuropathy; Leber's disease; Leber's optic atrophy. Identifiers: Orphanet 104, MedGen C0917796, MONDO:0010788, OMIM 535000, HP:0001112.
Mitochondrial DNA-Associated Leigh Syndrome and NARP. Identifiers: MedGen CN043634.
MELAS syndrome (MELAS). Also called: Juvenile myopathy, encephalopathy, lactic acidosis, stroke. Identifiers: Orphanet 550, MedGen C0162671, MONDO:0010789, OMIM 540000.

Submission:

Wong Mito Lab, Molecular and Human Genetics, Baylor College of Medicine
Classification: Likely benign for Leigh syndrome. Last evaluated: 2019-10-17. Review status: criteria provided, single submitter. Criteria: Modified ACMG Guidelines (Unpublished). Collection method: clinical testing. Allele origin: germline.
Comment: The NC_012920.1:m.13763C>T (YP_003024036.1:p.Ser476Phe) variant in MTND5 gene is interpretated to be a Likely Benign variant based on the modified ACMG guidelines (unpublished). This variant meets the following evidence codes: BS4, BP4